The following is an entry in ClinVar:

NM_016955.4(SEPSECS):c.449dup (p.Cys151fs)

Gene: SEPSECS (Sep (O-phosphoserine) tRNA:Sec (selenocysteine) tRNA synthase; minus strand). Cytogenetic location: 4p15.2.
Variant type: Duplication.
Coding change: c.449dup on transcript NM_016955.4 (MANE Select); coding-DNA position 449, one base duplicated (T; older notation c.449dupT).
Protein change: p.Cys151fs; shifts the reading frame from cysteine 151.
Molecular consequence: frameshift variant.
Genome position (GRCh38, 1-based): chr4:25,156,135, A duplicated on the plus strand (T on the coding strand, the reverse complement: SEPSECS is on the minus strand). VCF-style (leftmost placement, unchanged base first): chr4-25156134-C-CA. GRCh37 (hg19) VCF-style: chr4-25157756-C-CA.
Other names: short protein forms C151fs.
Identifiers: ClinVar variation 851642 (VCV000851642.8), dbSNP rs1712612585, ClinGen allele CA916082640.
Genomic context (GRCh38, chr4:25,156,134, plus strand): 5'-TATTCGTGGCCATATAATATACTTTGCCTTTGGTCTTTTGTGTCGTAATGTTAAGAAACA[C>CA]AGAGTTAGACTCATACCAGTTGCCATAGGAACTACAAAGCAGTTGGCTACTGTATGGACA-3'

ClinVar aggregate classification (germline): Pathogenic/Likely pathogenic. Review status: criteria provided, multiple submitters, no conflicts (2 of 4 stars). 2 submissions from 2 submitters: Pathogenic (1); Likely pathogenic (1). Last evaluated 2024-04-18.

Conditions:
Pontocerebellar hypoplasia type 2D (PCH2D). Also called: Progressive cerebello-cerebral atrophy. Identifiers: Orphanet 247198, Orphanet 2524, MedGen C3151140, MONDO:0013438, OMIM 613811.

Submissions (2):

Fulgent Genetics
Classification: Likely pathogenic for Pontocerebellar hypoplasia type 2D. Last evaluated: 2024-04-18. Review status: criteria provided, single submitter. Criteria: ACMG Guidelines, 2015. Collection method: clinical testing. Allele origin: germline.

Labcorp Genetics (formerly Invitae), Labcorp
Classification: Pathogenic. Last evaluated: 2022-10-31. Review status: criteria provided, single submitter. Criteria: Invitae Variant Classification Sherloc (09022015). Collection method: clinical testing. Allele origin: germline.
Comment: ClinVar contains an entry for this variant (Variation ID: 851642). This variant has not been reported in the literature in individuals affected with SEPSECS-related conditions. This variant is not present in population databases (gnomAD no frequency). This sequence change creates a premature translational stop signal (p.Cys151Valfs*27) in the SEPSECS gene. It is expected to result in an absent or disrupted protein product. Loss-of-function variants in SEPSECS are known to be pathogenic (PMID: 25558065, 25590979, 26115735). For these reasons, this variant has been classified as Pathogenic.

Literature cited by the submitters: PubMed 25558065 (cited by Labcorp Genetics (formerly Invitae), Labcorp); PubMed 25590979 (cited by Labcorp Genetics (formerly Invitae), Labcorp); PubMed 26115735 (cited by Labcorp Genetics (formerly Invitae), Labcorp).